The following is an entry in ClinVar:

ClinVar aggregate classification (germline): Uncertain significance (0 of 4 stars; one submission).

Conditions:
PLXNA3-related disorder. Also called: PLXNA3-related condition.

gnomAD v4.1: 6 of 1,209,638 alleles (0.0005%); highest among the groups gnomAD compares: Admixed American, 0.0087%; no homozygotes.

Submission:

PreventionGenetics, part of Exact Sciences
Classification: Uncertain significance for PLXNA3-related condition. Last evaluated: 2024-03-25. Review status: no assertion criteria provided. Collection method: clinical testing. Allele origin: germline.
Comment: The PLXNA3 c.5294G>T variant is predicted to result in the amino acid substitution p.Arg1765Leu. To our knowledge, this variant has not been reported in the literature. This variant is reported in 0.011% of alleles in individuals of Latino descent in gnomAD. At this time, the clinical significance of this variant is uncertain due to the absence of conclusive functional and genetic evidence.

NM_017514.5(PLXNA3):c.5294G>T (p.Arg1765Leu)

Gene: PLXNA3 (plexin A3; plus strand). Cytogenetic location: Xq28.
Variant type: single nucleotide variant.
Coding change: c.5294G>T on transcript NM_017514.5 (MANE Select); coding-DNA position 5294, G replaced by T.
Protein change: p.Arg1765Leu; replaces arginine 1765 with leucine.
Molecular consequence: missense variant.
Genome position (GRCh38, 1-based): chrX:154,471,242, G>T. VCF-style: chrX-154471242-G-T. GRCh37 (hg19) VCF-style: chrX-153699585-G-T.
Other names: short protein forms R1765L.
Identifiers: ClinVar variation 3355232 (VCV003355232.1).